The following is an entry in ClinVar:

NM_001080449.3(DNA2):c.2706G>A (p.Ala902=)

Gene: DNA2 (DNA replication helicase/nuclease 2; minus strand). Cytogenetic location: 10q21.3.
Variant type: single nucleotide variant.
Coding change: c.2706G>A on transcript NM_001080449.3 (MANE Select); coding-DNA position 2706, G replaced by A.
Protein change: p.Ala902=; no amino-acid change (alanine 902 retained).
Molecular consequence: synonymous variant. On other transcripts: non-coding transcript variant (1).
Genome position (GRCh38, 1-based): chr10:68,419,884, C>T on the plus strand (G>A on the coding strand, the complement: DNA2 is on the minus strand). VCF-style: chr10-68419884-C-T. GRCh37 (hg19) VCF-style: chr10-70179641-C-T.
Identifiers: ClinVar variation 387452 (VCV000387452.8), dbSNP rs371684850, ClinGen allele CA5524744.

ClinVar aggregate classification (germline): Benign/Likely benign. Review status: criteria provided, multiple submitters, no conflicts (2 of 4 stars). 2 submissions from 2 submitters: Benign (1); Likely benign (1). Last evaluated 2025-09-09.

Allele frequency attached by ClinVar (database versions not stated): ESP Exome Variant Server 0.00025; gnomAD exomes 0.00007 and 0.00016; TOPMed 0.00008; gnomAD 0.00009; ExAC 0.00012.
gnomAD v4.1: 126 of 1,613,570 alleles (0.0078%); highest among the groups gnomAD compares: South Asian, 0.0055%; no homozygotes.

Submissions (2):

Labcorp Genetics (formerly Invitae), Labcorp
Classification: Benign. Last evaluated: 2025-09-09. Review status: criteria provided, single submitter. Criteria: Invitae Variant Classification Sherloc (09022015). Collection method: clinical testing. Allele origin: germline.

GeneDx
Classification: Likely benign. Last evaluated: 2016-07-05. Review status: criteria provided, single submitter. Criteria: GeneDx Variant Classification (06012015). Collection method: clinical testing. Allele origin: germline. Affected: yes.
Comment: This variant is considered likely benign or benign based on one or more of the following criteria: it is a conservative change, it occurs at a poorly conserved position in the protein, it is predicted to be benign by multiple in silico algorithms, and/or has population frequency not consistent with disease.